The following is an entry in ClinVar:

ClinVar aggregate classification (germline): Benign/Likely benign. Review status: criteria provided, multiple submitters, no conflicts (2 of 4 stars). 8 submissions from 8 submitters: Benign (3); Likely benign (2). 3 of the submissions do not count toward it. Last evaluated 2026-01-26.

Conditions:
SCN11A-related disorder. Also called: SCN11A-related condition.
Hereditary sensory and autonomic neuropathy type 7. Also called: HSAN VII; Neuropathy, hereditary sensory and autonomic, type VII. Identifiers: Orphanet 391397, MedGen C3809882, MONDO:0014244, OMIM 615548.
Familial episodic pain syndrome with predominantly lower limb involvement. Also called: Episodic pain syndrome, familial, 3. Identifiers: Orphanet 391384, Orphanet 391392, MedGen C3809899, MONDO:0014247, OMIM 615552.

Allele frequency attached by ClinVar (database versions not stated): 1000 Genomes Project 30x 0.00031; 1000 Genomes Project 0.00040; gnomAD 0.00048 and 0.00049; TOPMed 0.00051; gnomAD exomes 0.00056; ExAC 0.00061; ESP Exome Variant Server 0.00085.
gnomAD v4.1: 870 of 1,611,342 alleles (0.054%); highest among the groups gnomAD compares: Non-Finnish European, 0.069%; no homozygotes.

Submissions (9):

Labcorp Genetics (formerly Invitae), Labcorp
Classification: Benign for Familial episodic pain syndrome with predominantly lower limb involvement; Hereditary sensory and autonomic neuropathy type 7. Last evaluated: 2026-01-26. Review status: criteria provided, single submitter. Criteria: Invitae Variant Classification Sherloc (09022015). Collection method: clinical testing. Allele origin: germline.

Women's Health and Genetics/Laboratory Corporation of America, LabCorp
Classification: Benign. Last evaluated: 2025-10-27. Review status: criteria provided, single submitter. Criteria: LabCorp Variant Classification Summary - May 2015. Collection method: clinical testing. Allele origin: germline.

PreventionGenetics, part of Exact Sciences
Classification: Likely benign for SCN11A-related condition. Last evaluated: 2025-03-31. Review status: criteria provided, single submitter. Criteria: ACMG Guidelines, 2015. Collection method: clinical testing. Allele origin: germline.
Comment: This variant is classified as likely benign based on ACMG/AMP sequence variant interpretation guidelines (Richards et al. 2015 PMID: 25741868, with internal and published modifications).

Blueprint Genetics
Classification: Likely benign. Last evaluated: 2024-11-25. Review status: criteria provided, single submitter. Criteria: ACMG Guidelines, 2015. Collection method: clinical testing. Allele origin: germline.

GeneDx
Classification: Benign. Last evaluated: 2019-09-12. Review status: criteria provided, single submitter. Criteria: GeneDx Variant Classification Process June 2021. Collection method: clinical testing. Allele origin: germline. Affected: yes.

Clinical Genetics DNA and cytogenetics Diagnostics Lab, Erasmus MC, Erasmus Medical Center
Classification: Likely benign. Review status: no assertion criteria provided. Collection method: clinical testing. Allele origin: germline. Affected: yes. Study: VKGL Data-share Consensus. Not counted in ClinVar's aggregate classification.

Clinical Genetics, Academic Medical Center
Classification: Likely benign. Review status: no assertion criteria provided. Collection method: clinical testing. Allele origin: germline. Affected: yes. Study: VKGL Data-share Consensus. Not counted in ClinVar's aggregate classification.

Dr. Peter K. Rogan Lab, Western University
No classification provided (evidence only). Condition: Cervical cancer. Review status: no classification provided. Collection method: in vitro. Allele origin: not applicable. Functional consequence: retained intron. Not counted in ClinVar's aggregate classification.

Joint Genome Diagnostic Labs from Nijmegen and Maastricht, Radboudumc and MUMC+
Classification: Likely benign. Review status: no assertion criteria provided. Collection method: clinical testing. Allele origin: germline. Affected: yes. Study: VKGL Data-share Consensus. Not counted in ClinVar's aggregate classification.

NM_001349253.2(SCN11A):c.1843-10C>A

Gene: SCN11A (sodium voltage-gated channel alpha subunit 11; minus strand). Cytogenetic location: 3p22.2.
Variant type: single nucleotide variant.
Coding change: c.1843-10C>A on transcript NM_001349253.2 (MANE Select); 10 bases into the intron before coding-DNA position 1843, C replaced by A.
Molecular consequence: intron variant.
Genome position (GRCh38, 1-based): chr3:38,900,083, G>T on the plus strand (C>A on the coding strand, the complement: SCN11A is on the minus strand). VCF-style: chr3-38900083-G-T. GRCh37 (hg19) VCF-style: chr3-38941574-G-T.
Other names: c.1843-10C>A (NM_014139.3).
Identifiers: ClinVar variation 474695 (VCV000474695.21), dbSNP rs200533903, ClinGen allele CA2322188.